The following is an entry in ClinVar:

ClinVar aggregate classification (germline): Uncertain significance. Review status: criteria provided, multiple submitters, no conflicts (2 of 4 stars). 2 submissions from 2 submitters: Uncertain significance (2). Last evaluated 2025-02-01.

Conditions:
Gorlin syndrome. Also called: Nevoid Basal Cell Carcinoma Syndrome; Basal cell nevus syndrome. Identifiers: Orphanet 377, MedGen C0004779, MONDO:0007187.
Medulloblastoma (MDB). Also called: Medulloblastoma, somatic; MEDULLOBLASTOMA PREDISPOSITION SYNDROME. Identifiers: Orphanet 616, MedGen C0025149, MeSH D008527, MONDO:0007959, OMIM 155255, HP:0002885.
Hereditary cancer-predisposing syndrome. Also called: Neoplastic Syndromes, Hereditary; Hereditary neoplastic syndrome; Tumor predisposition; Hereditary Cancer Syndrome. Identifiers: Orphanet 140162, MedGen C0027672, MeSH D009386, MONDO:0015356.

Allele frequency attached by ClinVar (database versions not stated): TOPMed below 0.00001.

Submissions (2):

Ambry Genetics
Classification: Uncertain significance for Hereditary cancer-predisposing syndrome. Last evaluated: 2025-02-01. Review status: criteria provided, single submitter. Criteria: Ambry Variant Classification Scheme 2023. Collection method: clinical testing. Allele origin: germline.
Comment: The p.T225R variant (also known as c.674C>G), located in coding exon 5 of the SUFU gene, results from a C to G substitution at nucleotide position 674. The threonine at codon 225 is replaced by arginine, an amino acid with similar properties. This amino acid position is conserved. In addition, the in silico prediction for this alteration is inconclusive. Based on the available evidence, the clinical significance of this variant remains unclear.

Labcorp Genetics (formerly Invitae), Labcorp
Classification: Uncertain significance for Gorlin syndrome; Medulloblastoma. Last evaluated: 2024-07-30. Review status: criteria provided, single submitter. Criteria: Invitae Variant Classification Sherloc (09022015). Collection method: clinical testing. Allele origin: germline.
Comment: This sequence change replaces threonine, which is neutral and polar, with arginine, which is basic and polar, at codon 225 of the SUFU protein (p.Thr225Arg). This variant is not present in population databases (gnomAD no frequency). This variant has not been reported in the literature in individuals affected with SUFU-related conditions. ClinVar contains an entry for this variant (Variation ID: 664549). Advanced modeling of protein sequence and biophysical properties (such as structural, functional, and spatial information, amino acid conservation, physicochemical variation, residue mobility, and thermodynamic stability) performed at Invitae indicates that this missense variant is not expected to disrupt SUFU protein function with a negative predictive value of 80%. In summary, the available evidence is currently insufficient to determine the role of this variant in disease. Therefore, it has been classified as a Variant of Uncertain Significance.

NM_016169.4(SUFU):c.674C>G (p.Thr225Arg)

Gene: SUFU (SUFU negative regulator of hedgehog signaling; plus strand). Cytogenetic location: 10q24.32.
Variant type: single nucleotide variant.
Coding change: c.674C>G on transcript NM_016169.4 (MANE Select); coding-DNA position 674, C replaced by G.
Protein change: p.Thr225Arg; replaces threonine 225 with arginine.
Molecular consequence: missense variant.
Genome position (GRCh38, 1-based): chr10:102,593,712, C>G. VCF-style: chr10-102593712-C-G. GRCh37 (hg19) VCF-style: chr10-104353469-C-G.
Other names: c.674C>G, p.Thr225Arg (NM_001178133.2); short protein forms T225R.
Identifiers: ClinVar variation 664549 (VCV000664549.10), dbSNP rs1432427138, ClinGen allele CA377909630.
Genomic context (GRCh38, chr10:102,593,712, plus strand): 5'-CTGAAGAGCTACACTCAGCCCAGCAGTGGAACGGGCAGGGCATCCTGGAGCTGCTGCGGA[C>G]AGTGCCTATGTGAGTACCCATGCAAGGTGGGAGCGCGGCTCCCTGGGCCTGGGGGTGGGA-3'
Protein context (NP_057253.2, residues 215-235): NGQGILELLR[Thr225Arg]VPIAGGPWLI